The following is an entry in ClinVar:

ClinVar aggregate classification (germline): Pathogenic (1 of 4 stars; one submission).

Submission:

ARUP Laboratories, Molecular Genetics and Genomics, ARUP Laboratories
Classification: Pathogenic. Last evaluated: 2017-11-08. Review status: criteria provided, single submitter. Criteria: ARUP Molecular Germline Variant Investigation Process. Collection method: clinical testing. Allele origin: germline.
Comment: The c.3856G>T variant has not been reported in the medical literature, is not listed in gene-specific variant databases, nor has it been previously identified in our laboratory. It is also absent from population databases such as 1000 Genomes, the NHLBI GO Exome Sequencing Project (ESP), and the Genome Aggregation Database (gnomAD) browser. The c.3856G>T variant introduces an early termination codon into exon 28 and is expected to result in a truncated or absent protein product, and other truncating variants in exon 28 have been observed in cohorts of Duchenne and Becker muscular dystrophy patients (selected references: Flanigan 2009, Juan-Mateu 2013). Thus, based on the available information, the c.3856G>T variant satisfies our criteria for classification as pathogenic.

NM_004006.3(DMD):c.3856G>T (p.Glu1286Ter)

Gene: DMD (dystrophin; minus strand). Cytogenetic location: Xp21.1.
Variant type: single nucleotide variant.
Coding change: c.3856G>T on transcript NM_004006.3 (MANE Select); coding-DNA position 3856, G replaced by T.
Protein change: p.Glu1286Ter; replaces glutamic acid 1286 with a stop codon.
Molecular consequence: nonsense.
Genome position (GRCh38, 1-based): chrX:32,441,245, C>A on the plus strand (G>T on the coding strand, the complement: DMD is on the minus strand). VCF-style: chrX-32441245-C-A. GRCh37 (hg19) VCF-style: chrX-32459362-C-A.
Other names: c.3832G>T, p.Glu1278Ter (NM_000109.4); c.3844G>T, p.Glu1282Ter (NM_004009.3); c.3487G>T, p.Glu1163Ter (NM_004010.3); short protein forms E1286*, E1163*, E1278*, E1282*.
Identifiers: ClinVar variation 618065 (VCV000618065.8), dbSNP rs1569562570, ClinGen allele CA412670397.